The following is an entry in ClinVar:

ClinVar aggregate classification (germline): Uncertain significance (1 of 4 stars; one submission).

Conditions:
Liddle syndrome 1 (LIDLS1). Also called: PSEUDOALDOSTERONISM. Identifiers: Orphanet 526, MedGen CN031472, MONDO:0020607, OMIM 177200.

Allele frequency attached by ClinVar (database versions not stated): gnomAD exomes below 0.00001.
gnomAD v4.1: 2 of 1,611,286 alleles (0.00012%); highest among the groups gnomAD compares: Non-Finnish European, 0.00017%; no homozygotes.

Submission:

Johns Hopkins Genomics, Johns Hopkins University
Classification: Uncertain significance for Liddle syndrome 1. Last evaluated: 2020-03-04. Review status: criteria provided, single submitter. Criteria: ACMG Guidelines, 2015. Collection method: clinical testing. Allele origin: germline.
Comment: This SCNN1B variant is absent from a large population dataset and has not been reported in ClinVar nor the literature, to our knowledge. Of three bioinformatics tools queried, two predict that the substitution would be tolerated while one predicts that it would be damaging. The aspartic acid residue at this position is evolutionarily conserved across higher order mammals. Due to insufficient evidence, we consider the clinical significance of c.1256A>T to be uncertain at this time.

NM_000336.3(SCNN1B):c.1256A>T (p.Asp419Val)

Gene: SCNN1B (sodium channel epithelial 1 subunit beta; plus strand). Cytogenetic location: 16p12.2.
Variant type: single nucleotide variant.
Coding change: c.1256A>T on transcript NM_000336.3 (MANE Select); coding-DNA position 1256, A replaced by T.
Protein change: p.Asp419Val; replaces aspartic acid 419 with valine.
Molecular consequence: missense variant.
Genome position (GRCh38, 1-based): chr16:23,375,841, A>T. VCF-style: chr16-23375841-A-T. GRCh37 (hg19) VCF-style: chr16-23387162-A-T.
Other names: short protein forms D419V.
Identifiers: ClinVar variation 973855 (VCV000973855.1), dbSNP rs1962882235, ClinGen allele CA395110577.